The following is an entry in ClinVar:

NM_016247.4(IMPG2):c.1671T>C (p.Ser557=)

Gene: IMPG2 (interphotoreceptor matrix proteoglycan 2; minus strand). Cytogenetic location: 3q12.3.
Variant type: single nucleotide variant.
Coding change: c.1671T>C on transcript NM_016247.4 (MANE Select); coding-DNA position 1671, T replaced by C.
Protein change: p.Ser557=; no amino-acid change (serine 557 retained).
Molecular consequence: synonymous variant.
Genome position (GRCh38, 1-based): chr3:101,244,660, A>G on the plus strand (T>C on the coding strand, the complement: IMPG2 is on the minus strand). VCF-style: chr3-101244660-A-G. GRCh37 (hg19) VCF-style: chr3-100963504-A-G.
Identifiers: ClinVar variation 4984586 (VCV004984586.1).

ClinVar aggregate classification (germline): Likely benign (1 of 4 stars; one submission).

Conditions:
IMPG2-related disorder. Also called: IMPG2-related condition.

gnomAD v4.1: 3 of 1,613,958 alleles (0.00019%); highest among the groups gnomAD compares: African/African-American, 0.004%; no homozygotes.

Submission:

PreventionGenetics, part of Exact Sciences
Classification: Likely benign for IMPG2-related condition. Last evaluated: 2026-09-11. Review status: criteria provided, single submitter. Criteria: ACMG Guidelines, 2015. Collection method: clinical testing. Allele origin: germline.
Comment: This variant is classified as likely benign based on ACMG/AMP sequence variant interpretation guidelines (Richards et al. 2015 PMID: 25741868, with internal and published modifications).